The following is an entry in ClinVar:

ClinVar aggregate classification (germline): Uncertain significance (1 of 4 stars; one submission).

Conditions:
Capillary malformation-arteriovenous malformation syndrome. Also called: Capillary malformation-arteriovenous malformation. Identifiers: Orphanet 137667, MedGen C1842180, MONDO:0012016.

Submission:

Labcorp Genetics (formerly Invitae), Labcorp
Classification: Uncertain significance for Capillary malformation-arteriovenous malformation syndrome. Last evaluated: 2021-08-18. Review status: criteria provided, single submitter. Criteria: Invitae Variant Classification Sherloc (09022015). Collection method: clinical testing. Allele origin: germline.
Comment: This variant results in a copy number gain of the genomic region encompassing exon(s) 19-24 of the RASA1 gene. While the exact position of this variant cannot be determined from the data, sub-genic copy number gains are generally in tandem (PMID: 25640679). This variant is predicted to be in-frame, and likely preserves the integrity of the reading frame. This variant has not been reported in the literature in individuals affected with RASA1-related conditions. Experimental studies and prediction algorithms are not available or were not evaluated, and the functional significance of this variant is currently unknown. In summary, the available evidence is currently insufficient to determine the role of this variant in disease. Therefore, it has been classified as a Variant of Uncertain Significance.

Literature cited by the submitters: PubMed 25640679.

NC_000005.9:g.(?_86675532)_(86685364_?)dup

Gene: RASA1 (RAS p21 protein activator 1; plus strand). Cytogenetic location: 5q14.3.
Variant type: Duplication.
Identifiers: ClinVar variation 1374234 (VCV001374234.5).